The following is an entry in ClinVar:

NM_001114753.3(ENG):c.617G>C (p.Gly206Ala)

Gene: ENG (endoglin; minus strand). Cytogenetic location: 9q34.11.
Variant type: single nucleotide variant.
Coding change: c.617G>C on transcript NM_001114753.3 (MANE Select); coding-DNA position 617, G replaced by C.
Protein change: p.Gly206Ala; replaces glycine 206 with alanine.
Molecular consequence: missense variant.
Genome position (GRCh38, 1-based): chr9:127,825,767, C>G on the plus strand (G>C on the coding strand, the complement: ENG is on the minus strand). VCF-style: chr9-127825767-C-G. GRCh37 (hg19) VCF-style: chr9-130588046-C-G.
Other names: c.617G>C, p.Gly206Ala (NM_000118.4, NM_001406715.1); c.71G>C, p.Gly24Ala (NM_001278138.2); short protein forms G206A, G24A.
Identifiers: ClinVar variation 407133 (VCV000407133.19), dbSNP rs201393380, ClinGen allele CA5253067.

ClinVar aggregate classification (germline): Benign/Likely benign. Review status: criteria provided, multiple submitters, no conflicts (2 of 4 stars). 4 submissions from 4 submitters: Benign (1); Likely benign (3). Last evaluated 2025-07-22.

Conditions:
Cardiovascular phenotype. Identifiers: MedGen CN230736.
Hereditary hemorrhagic telangiectasia (HHT). Also called: ORW DISEASE; Osler Weber Rendu syndrome; OSLER-RENDU-WEBER DISEASE; Osler hemorrhagic telangiectasia syndrome. Identifiers: Orphanet 774, MedGen C0039445, MONDO:0019180. Disease mechanism: loss of function.
ENG-related disorder. Also called: ENG-related condition; ENG-related disorders.

Allele frequency attached by ClinVar (database versions not stated): gnomAD exomes 0.00006 and 0.00013; ExAC 0.00050; TOPMed 0.00076; gnomAD 0.00070 and 0.00080.
gnomAD v4.1: 188 of 1,598,658 alleles (0.012%); highest among the groups gnomAD compares: African/African-American, 0.24%; 2 homozygotes.

Submissions (4):

Labcorp Genetics (formerly Invitae), Labcorp
Classification: Benign for Hereditary hemorrhagic telangiectasia. Last evaluated: 2025-07-22. Review status: criteria provided, single submitter. Criteria: Invitae Variant Classification Sherloc (09022015). Collection method: clinical testing. Allele origin: germline.

PreventionGenetics, part of Exact Sciences
Classification: Likely benign for ENG-related condition. Last evaluated: 2025-01-19. Review status: criteria provided, single submitter. Criteria: ACMG Guidelines, 2015. Collection method: clinical testing. Allele origin: germline.
Comment: This variant is classified as likely benign based on ACMG/AMP sequence variant interpretation guidelines (Richards et al. 2015 PMID: 25741868, with internal and published modifications).

ARUP Laboratories, Molecular Genetics and Genomics, ARUP Laboratories
Classification: Likely benign. Last evaluated: 2018-03-02. Review status: criteria provided, single submitter. Criteria: ARUP Molecular Germline Variant Investigation Process. Collection method: clinical testing. Allele origin: germline.
Comment: The ENG c.617G>C; p.Gly206Ala variant (rs201393380), is reported in the literature in an individual with features of HHT but not a definitive diagnosis (Mallet 2015), and the variant did not co-segregate with disease in this family. Functional studies of the variant protein show normal localization to the cell surface and a normal BMP9 response (Mallet 2015). This variant is reported in ClinVar (Variation ID: 407133). It is found in the African population with an allele frequency of 0.3% (28/8684 alleles) in the Genome Aggregation Database. The glycine at codon 206 is well conserved, but computational algorithms (SIFT: Damaging, PolyPhen2: Benign) predict conflicting effects of this variant on the protein. Based on available information, this variant is considered likely benign. REFERENCES Mallet C et al. Functional analysis of endoglin mutations from hereditary hemorrhagic telangiectasia type 1 patients reveals different mechanisms for endoglin loss of function. Hum Mol Genet. 2015 Feb 15;24(4):1142-54.

Ambry Genetics
Classification: Likely benign for Cardiovascular phenotype. Last evaluated: 2017-06-13. Review status: criteria provided, single submitter. Criteria: Ambry Variant Classification Scheme 2023. Collection method: clinical testing. Allele origin: germline.

Literature cited by the submitters: PubMed 25312062 (cited by Ambry Genetics).